The following is an entry in ClinVar:

ClinVar aggregate classification (germline): Conflicting classifications of pathogenicity. Review status: criteria provided, conflicting classifications (1 of 4 stars). 10 submissions from 10 submitters: Uncertain significance (6); Likely benign (4). Last evaluated 2026-06-11.

Conditions:
Lymphangiomyomatosis (LAM). Also called: Lymphangioleiomyomatosis; Lymphangioleiomyomatosis, somatic. Identifiers: Orphanet 538, MedGen C0751674, MONDO:0011705, OMIM 606690.
Isolated focal cortical dysplasia type II (FCORD2). Also called: Focal cortical dysplasia type II; CORTICAL DYSPLASIA OF TAYLOR. Identifiers: Orphanet 268994, MedGen C1846385, MONDO:0011818, OMIM 607341, HP:0032051.
Tuberous sclerosis 2 (TSC2). Identifiers: Orphanet 805, MedGen C1860707, MONDO:0013199, OMIM 613254.
Hereditary cancer-predisposing syndrome. Also called: Tumor predisposition; Hereditary Cancer Syndrome; Hereditary neoplastic syndrome; Neoplastic Syndromes, Hereditary. Identifiers: Orphanet 140162, MedGen C0027672, MeSH D009386, MONDO:0015356.
Tuberous sclerosis syndrome (TSC). Also called: Tuberous Sclerosis Complex; Tuberous sclerosis. Identifiers: Orphanet 805, MedGen C0041341, MONDO:0001734.

Allele frequency attached by ClinVar (database versions not stated): TOPMed 0.00002; gnomAD 0.00003; ExAC 0.00002.
gnomAD v4.1: 52 of 1,613,602 alleles (0.0032%); highest among the groups gnomAD compares: Middle Eastern, 0.016%; no homozygotes.

Submissions (10):

Ambry Genetics
Classification: Likely benign for Hereditary cancer-predisposing syndrome. Last evaluated: 2026-06-11. Review status: criteria provided, single submitter. Criteria: Ambry Variant Classification Scheme 2023. Collection method: clinical testing. Allele origin: germline.

Labcorp Genetics (formerly Invitae), Labcorp
Classification: Likely benign for Tuberous sclerosis 2. Last evaluated: 2026-01-11. Review status: criteria provided, single submitter. Criteria: Invitae Variant Classification Sherloc (09022015). Collection method: clinical testing. Allele origin: germline.

All of Us Research Program, National Institutes of Health
Classification: Uncertain significance for Tuberous sclerosis syndrome. Last evaluated: 2024-06-09. Review status: criteria provided, single submitter. Criteria: ACMG Guidelines, 2015. Collection method: clinical testing. Allele origin: germline. Inheritance: Autosomal dominant inheritance. Observed: 6 variant alleles, 6 heterozygotes.
Comment: This missense variant replaces glutamic acid with lysine at codon 366 of the TSC2 protein. Computational prediction suggests that this variant may not impact protein structure and function (internally defined REVEL score threshold <= 0.5, PMID: 27666373). To our knowledge, functional studies have not been reported for this variant. This variant has not been reported in individuals affected with TSC2-related disorders in the literature. This variant has been identified in 5/282104 chromosomes in the general population by the Genome Aggregation Database (gnomAD). The available evidence is insufficient to determine the role of this variant in disease conclusively. Therefore, this variant is classified as a Variant of Uncertain Significance.

This study involves interpretation of variants in research participants for the purpose of population health screening. Participant phenotype was not available at the time of variant classification. Additional details can be found in publication PMID: 35346344, PMCID: PMC8962531

Fulgent Genetics
Classification: Uncertain significance for Lymphangiomyomatosis; Isolated focal cortical dysplasia type II; Tuberous sclerosis 2. Last evaluated: 2024-06-05. Review status: criteria provided, single submitter. Criteria: ACMG Guidelines, 2015. Collection method: clinical testing. Allele origin: germline.

Color Diagnostics, LLC DBA Color Health
Classification: Uncertain significance for Tuberous sclerosis syndrome. Last evaluated: 2024-05-29. Review status: criteria provided, single submitter. Criteria: ACMG Guidelines, 2015. Collection method: clinical testing. Allele origin: germline.
Comment: This missense variant replaces glutamic acid with lysine at codon 366 of the TSC2 protein. Computational prediction suggests that this variant may not impact protein structure and function . To our knowledge, functional studies have not been reported for this variant. This variant has not been reported in individuals affected with TSC2-related disorders in the literature. This variant has been identified in 5/282104 chromosomes in the general population by the Genome Aggregation Database (gnomAD). The available evidence is insufficient to determine the role of this variant in disease conclusively. Therefore, this variant is classified as a Variant of Uncertain Significance.

Quest Diagnostics Nichols Institute San Juan Capistrano
Classification: Uncertain significance. Last evaluated: 2024-01-04. Review status: criteria provided, single submitter. Criteria: Quest Diagnostics criteria. Collection method: clinical testing. Allele origin: unknown.

Genome-Nilou Lab
Classification: Likely benign for Tuberous sclerosis 2. Last evaluated: 2021-11-07. Review status: criteria provided, single submitter. Criteria: ACMG Guidelines, 2015. Collection method: clinical testing. Allele origin: germline. Affected: no.

GeneDx
Classification: Likely benign. Last evaluated: 2021-02-07. Review status: criteria provided, single submitter. Criteria: GeneDx Variant Classification Process June 2021. Collection method: clinical testing. Allele origin: germline. Affected: yes.

Division of Genomic Medicine, Department of Advanced Medicine, Medical Research Institute, Kanazawa Medical University
Classification: Uncertain significance for Tuberous sclerosis 2. Last evaluated: 2020-07-10. Review status: criteria provided, single submitter. Criteria: ACMG Guidelines, 2015. Collection method: clinical testing. Allele origin: germline. Affected: yes. Observed: 1 variant allele.

Illumina Laboratory Services, Illumina
Classification: Uncertain significance for Tuberous sclerosis syndrome. Last evaluated: 2017-04-27. Review status: criteria provided, single submitter. Criteria: ICSL Variant Classification Criteria 13 December 2019. Collection method: clinical testing. Allele origin: germline.
Comment: This variant was observed as part of a predisposition screen in an ostensibly healthy population. A literature search was performed for the gene, cDNA change, and amino acid change (where applicable). Publications were found based on this search. However, the evidence from the literature, in combination with allele frequency data from public databases where available, was not sufficient to rule this variant in or out of causing disease. Therefore, this variant is classified as a variant of unknown significance.

Literature cited by the submitters: PubMed 10823953 (cited by Quest Diagnostics Nichols Institute San Juan Capistrano and Illumina Laboratory Services, Illumina); PubMed 11112665 (cited by Quest Diagnostics Nichols Institute San Juan Capistrano and Illumina Laboratory Services, Illumina).

NM_000548.5(TSC2):c.1096G>A (p.Glu366Lys)

Gene: TSC2 (TSC complex subunit 2; plus strand). Cytogenetic location: 16p13.3.
Variant type: single nucleotide variant.
Coding change: c.1096G>A on transcript NM_000548.5 (MANE Select); coding-DNA position 1096, G replaced by A.
Protein change: p.Glu366Lys; replaces glutamic acid 366 with lysine.
Molecular consequence: missense variant.
Genome position (GRCh38, 1-based): chr16:2,060,790, G>A. VCF-style: chr16-2060790-G-A. GRCh37 (hg19) VCF-style: chr16-2110791-G-A.
Other names: p.E366K:GAA>AAA; c.1096G>A, p.Glu366Lys (NM_001077183.3, NM_001114382.3, NM_001363528.2 and 3 more transcripts); c.985G>A, p.Glu329Lys (NM_001318827.2); c.949G>A, p.Glu317Lys (NM_001318829.2); c.496G>A, p.Glu166Lys (NM_001318831.2); c.1129G>A, p.Glu377Lys (NM_001318832.2); short protein forms E366K, E166K, E377K, E317K, E329K.
Identifiers: ClinVar variation 207711 (VCV000207711.34), dbSNP rs45517148, ClinGen allele CA028150.